The following is an entry in ClinVar:

NM_000384.3(APOB):c.6567T>A (p.Tyr2189Ter)

Gene: APOB (apolipoprotein B; minus strand). Cytogenetic location: 2p24.1.
Variant type: single nucleotide variant.
Coding change: c.6567T>A on transcript NM_000384.3 (MANE Select); coding-DNA position 6567, T replaced by A.
Protein change: p.Tyr2189Ter; replaces tyrosine 2189 with a stop codon.
Molecular consequence: nonsense.
Genome position (GRCh38, 1-based): chr2:21,010,301, A>T on the plus strand (T>A on the coding strand, the complement: APOB is on the minus strand). VCF-style: chr2-21010301-A-T. GRCh37 (hg19) VCF-style: chr2-21233173-A-T.
Other names: short protein forms Y2189*.
Identifiers: ClinVar variation 2202111 (VCV002202111.4), dbSNP rs1663270865, ClinGen allele CA346001467.

ClinVar aggregate classification (germline): Pathogenic (1 of 4 stars; one submission).

Conditions:
Familial hypobetalipoproteinemia 1. Also called: APOB-Related Familial Hypobetalipoproteinemia; Hypobetalipoproteinemia, normotriglyceridemic; Acanthocytosis with hypobetalipoproteinemia. Identifiers: MedGen C4551990, MONDO:0014252, OMIM 615558.
Hypercholesterolemia, autosomal dominant, type B (FHCL2). Also called: Familial Hypercholesterolemia Type B; APOLIPOPROTEIN B-100, FAMILIAL DEFECTIVE; APOLIPOPROTEIN B-100, FAMILIAL LIGAND-DEFECTIVE; HYPERCHOLESTEROLEMIA, FAMILIAL, DUE TO LIGAND-DEFECTIVE APOLIPOPROTEIN B; Hyperlipoproteinemia Type IIb; APOB-Related Familial Hypercholesterolemia, Autosomal Dominant. Identifiers: MedGen C1704417, MONDO:0007751, OMIM 144010.

Allele frequency attached by ClinVar (database versions not stated): TOPMed below 0.00001.

Submission:

Labcorp Genetics (formerly Invitae), Labcorp
Classification: Pathogenic for Familial hypobetalipoproteinemia 1; Hypercholesterolemia, autosomal dominant, type B. Last evaluated: 2022-07-19. Review status: criteria provided, single submitter. Criteria: Invitae Variant Classification Sherloc (09022015). Collection method: clinical testing. Allele origin: germline.
Comment: This variant has not been reported in the literature in individuals affected with APOB-related conditions. For these reasons, this variant has been classified as Pathogenic. This variant is not present in population databases (gnomAD no frequency). This sequence change creates a premature translational stop signal (p.Tyr2189*) in the APOB gene. It is expected to result in an absent or disrupted protein product. Loss-of-function variants in APOB are known to be pathogenic (PMID: 20032471).

Literature cited by the submitters: PubMed 20032471.